The following is an entry in ClinVar:

NM_001069.3(TUBB2A):c.1240A>C (p.Asn414His)

Gene: TUBB2A (tubulin beta 2A class IIa; minus strand). Cytogenetic location: 6p25.2.
Variant type: single nucleotide variant.
Coding change: c.1240A>C on transcript NM_001069.3 (MANE Select); coding-DNA position 1240, A replaced by C.
Protein change: p.Asn414His; replaces asparagine 414 with histidine.
Molecular consequence: missense variant.
Genome position (GRCh38, 1-based): chr6:3,153,961, T>G on the plus strand (A>C on the coding strand, the complement: TUBB2A is on the minus strand). VCF-style: chr6-3153961-T-G. GRCh37 (hg19) VCF-style: chr6-3154195-T-G.
Other names: c.985A>C, p.Asn329His (NM_001310315.2); short protein forms N414H, N329H.
Identifiers: ClinVar variation 372880 (VCV000372880.1), dbSNP rs1057518044, ClinGen allele CA16042549.
Genomic context (GRCh38, chr6:3,153,961, plus strand): 5'-CTTGTTCGTCGGCCGTGGCGTCCTGGTACTGCTGGTACTCGGACACCAGGTCGTTCATGT[T>G]GCTCTCGGCCTCGGTGAACTCCATCTCGTCCATGCCCTCGCCCGTGTACCAGTGCAGGAA-3'
Protein context (NP_001060.1, residues 404-424): DEMEFTEAES[Asn414His]MNDLVSEYQQ

ClinVar aggregate classification (germline): Likely pathogenic (1 of 4 stars; one submission).

Submission:

GeneDx
Classification: Likely pathogenic. Last evaluated: 2016-01-22. Review status: criteria provided, single submitter. Criteria: GeneDx Variant Classification (06012015). Collection method: clinical testing. Allele origin: germline. Affected: yes.
Comment: The N414H variant in the TUBB2A gene has not been reported previously as a pathogenic variant, nor as a benign variant, to our knowledge. The N414H variant was not observed in approximately 6500 individuals of European and African American ancestry in the NHLBI Exome Sequencing Project, indicating it is not a common benign variant in these populations. The N414H variant is a semi-conservative amino acid substitution, which may impact secondary protein structure as these residues differ in some properties. This substitution occurs at a position that is conserved across species. In silico analysis predicts this variant is probably damaging to the protein structure/function. Therefore, we interpret N414H as a likely pathogenic variant.